The following is an entry in ClinVar:

ClinVar aggregate classification (germline): Conflicting classifications of pathogenicity. Review status: criteria provided, conflicting classifications (1 of 4 stars). 3 submissions from 3 submitters: Likely pathogenic (1); Uncertain significance (2). Last evaluated 2026-04-22.

Conditions:
Hereditary spherocytosis type 3. Also called: SPTA1-Related Spherocytosis; Spherocytosis type 3. Identifiers: Orphanet 822, MedGen C2678338, MONDO:0010053, OMIM 270970.
SPTA1-related disorder. Also called: SPTA1-related disorders; SPTA1-related condition.

Allele frequency attached by ClinVar (database versions not stated): gnomAD 0.00003; gnomAD exomes 0.00006; ExAC 0.00008.
gnomAD v4.1: 97 of 1,613,930 alleles (0.006%); highest among the groups gnomAD compares: East Asian, 0.13%; 1 homozygote.

Submissions (3):

PreventionGenetics, part of Exact Sciences
Classification: Uncertain significance for SPTA1-related condition. Last evaluated: 2026-04-22. Review status: criteria provided, single submitter. Criteria: ACMG Guidelines, 2015. Collection method: clinical testing. Allele origin: germline.
Comment: The SPTA1 c.5269C>T variant is predicted to result in the amino acid substitution p.Arg1757Cys. This variant has been reported in the heterozygous state two individuals with hereditary spherocytosis (Table 2, Wang et al. 2023. PubMed ID: 36203343), one of which also had a diagnostic variant in a different gene associated with hereditary spherocytosis (Choi et al. 2023. PubMed ID: 37697358). This variant is reported in 0.077% of alleles in individuals of East Asian descent in gnomAD. At this time, the clinical significance of this variant is uncertain due to the absence of conclusive functional and genetic evidence.

Blueprint Genetics
Classification: Uncertain significance. Last evaluated: 2024-05-06. Review status: criteria provided, single submitter. Criteria: ACMG Guidelines, 2015. Collection method: clinical testing. Allele origin: germline.

Jiangsu Institute of Hematology, the First Affiliated Hospital of Soochow University
Classification: Likely pathogenic for Hereditary spherocytosis type 3. Last evaluated: 2022-03-01. Review status: criteria provided, single submitter. Criteria: ACMG Guidelines, 2015. Collection method: research. Allele origin: inherited. Affected: yes.

NM_003126.4(SPTA1):c.5269C>T (p.Arg1757Cys)

Gene: SPTA1 (spectrin alpha, erythrocytic 1; minus strand). Cytogenetic location: 1q23.1.
Variant type: single nucleotide variant.
Coding change: c.5269C>T on transcript NM_003126.4 (MANE Select); coding-DNA position 5269, C replaced by T.
Protein change: p.Arg1757Cys; replaces arginine 1757 with cysteine.
Molecular consequence: missense variant.
Genome position (GRCh38, 1-based): chr1:158,636,682, G>A on the plus strand (C>T on the coding strand, the complement: SPTA1 is on the minus strand). VCF-style: chr1-158636682-G-A. GRCh37 (hg19) VCF-style: chr1-158606472-G-A.
Other names: c.5269C>T (NM_003126.2); short protein forms R1757C.
Identifiers: ClinVar variation 1676965 (VCV001676965.4), dbSNP rs754598605, ClinGen allele CA1182373.